The following is an entry in ClinVar:

NM_004183.4(BEST1):c.867+193C>T

Gene: BEST1 (bestrophin 1; plus strand). Cytogenetic location: 11q12.3.
Variant type: single nucleotide variant.
Coding change: c.867+193C>T on transcript NM_004183.4 (MANE Select); 193 bases into the intron after coding-DNA position 867, C replaced by T.
Molecular consequence: intron variant. On other transcripts: missense variant (1), 5 prime UTR variant (1), non-coding transcript variant (1).
Genome position (GRCh38, 1-based): chr11:61,958,491, C>T. VCF-style: chr11-61958491-C-T. GRCh37 (hg19) VCF-style: chr11-61725963-C-T.
Other names: c.1060C>T, p.Arg354Trp (NM_001363592.2); c.-116C>T (NM_001363593.3); c.867+193C>T (NM_001440571.1, NM_001440572.1); c.715-1007C>T (NM_001440573.1); c.687+193C>T (NM_001139443.3, NM_001300787.2, NM_001440574.1 and 1 more transcripts); c.535-1007C>T (NM_001440575.1); c.534+1027C>T (NM_001440576.1); c.549+193C>T (NM_001363591.3); short protein forms R354W.
Identifiers: ClinVar variation 4980928 (VCV004980928.1).

ClinVar aggregate classification (germline): Uncertain significance (1 of 4 stars; one submission).

Conditions:
BEST1-related disorder. Also called: BEST1-related condition; BEST1-related disorders. Identifiers: MedGen CN239200.

Submission:

PreventionGenetics, part of Exact Sciences
Classification: Uncertain significance for BEST1-related condition. Last evaluated: 2025-11-07. Review status: criteria provided, single submitter. Criteria: ACMG Guidelines, 2015. Collection method: clinical testing. Allele origin: germline.
Comment: The BEST1 c.1060C>T variant is predicted to result in the amino acid substitution p.Arg354Trp. To our knowledge, this variant has not been reported in the literature. This variant is reported in 0.0079% of alleles in individuals of Latino descent in gnomAD. At this time, the clinical significance of this variant is uncertain due to the absence of conclusive functional and genetic evidence.